The following is an entry in ClinVar:

ClinVar aggregate classification (somatic clinical impact): Tier I - Strong (1 of 4 stars; one submission).

Conditions:
Medulloblastoma SHH activated. Identifiers: MedGen C4330671, MONDO:0850197.

Submission:

Institute for Genomic Medicine (IGM) Clinical Laboratory, Nationwide Children's Hospital
Classification: Tier I - Strong for Medulloblastoma SHH activated. Assertion type: diagnostic. Clinical significance: supports diagnosis. Last evaluated: 2024-01-16. Review status: criteria provided, single submitter. Criteria: AMP/ASCO/CAP Guidelines, 2017. Collection method: clinical testing. Allele origin: somatic. Affected: yes.
Comment: Variant has Tier I (strong) clinical significance as a diagnostic inclusion criterion in medulloblastoma SHH activated, based on the following evidence: 1) Appears in one or more well-established professional guidelines (e.g., World Health Organization [WHO]; National Comprehensive Cancer Network [NCCN]) as providing diagnostic, prognostic, or therapeutic information. 2) Diagnostic for a specific tumor type/classification according to professional guidelines (Evidence Level A; PMIDs: 21163964, 22820256, 22832583, 22722829, 28726821).

Literature cited by the submitters: PubMed 21163964; PubMed 22820256; PubMed 22832583; PubMed 22722829; PubMed 28726821.

NM_000264.5(PTCH1):c.3468_3485del (p.Ala1157_Leu1162del)

Gene: PTCH1 (patched 1; minus strand). Cytogenetic location: 9q22.32.
Variant type: Deletion.
Coding change: c.3468_3485del on transcript NM_000264.5 (MANE Select); coding-DNA positions 3468 to 3485, 18 bases deleted (GGCGATCCTCACCATCCT).
Protein change: p.Ala1157_Leu1162del.
Molecular consequence: non-coding transcript variant (on NR_149061.2).
Genome position (GRCh38, 1-based): chr9:95,449,905-95,449,922, AGGATGGTGAGGATCGCC deleted on the plus strand (GGCGATCCTCACCATCCT on the coding strand, the reverse complement: PTCH1 is on the minus strand); deleting any 18 consecutive bases within chr9:95,449,905-95,449,924 gives the same sequence; the c. name uses the placement nearest the transcript's 3' end. VCF-style (leftmost placement, unchanged base first): chr9-95449904-GAGGATGGTGAGGATCGCC-G. GRCh37 (hg19) VCF-style: chr9-98212186-GAGGATGGTGAGGATCGCC-G.
Other names: c.3270_3287del, p.Ala1091_Leu1096del (NM_001083602.3); c.3465_3482del, p.Ala1156_Leu1161del (NM_001083603.3); c.3015_3032del, p.Ala1006_Leu1011del (NM_001083604.3, NM_001083605.3, NM_001083606.3 and 1 more transcripts); c.3312_3329del, p.Ala1105_Leu1110del (NM_001354918.2).
Identifiers: ClinVar variation 4530399 (VCV004530399.1).